The following is an entry in ClinVar:

NM_133433.4(NIPBL):c.604C>G (p.Gln202Glu)

Gene: NIPBL (NIPBL cohesin loading factor; plus strand). Cytogenetic location: 5p13.2.
Variant type: single nucleotide variant.
Coding change: c.604C>G on transcript NM_133433.4 (MANE Select); coding-DNA position 604, C replaced by G.
Protein change: p.Gln202Glu; replaces glutamine 202 with glutamic acid.
Molecular consequence: missense variant.
Genome position (GRCh38, 1-based): chr5:36,962,268, C>G. VCF-style: chr5-36962268-C-G. GRCh37 (hg19) VCF-style: chr5-36962370-C-G.
Other names: c.604C>G, p.Gln202Glu (NM_015384.5); short protein forms Q202E.
Identifiers: ClinVar variation 1751263 (VCV001751263.4), dbSNP rs762487890, ClinGen allele CA3235870.

ClinVar aggregate classification (germline): Uncertain significance. Review status: criteria provided, multiple submitters, no conflicts (2 of 4 stars). 3 submissions from 3 submitters: Uncertain significance (3). Last evaluated 2026-01-12.

Conditions:
Inborn genetic diseases. Identifiers: MedGen C0950123, MeSH D030342.
Cornelia de Lange syndrome 1 (CDLS1). Also called: TYPUS DEGENERATIVUS AMSTELODAMENSIS; Brachmann de Lange syndrome; NIPBL-Related Cornelia de Lange Syndrome. Identifiers: Orphanet 199, MedGen C4551851, MONDO:0007387, OMIM 122470.

Allele frequency attached by ClinVar (database versions not stated): ExAC 0.00001.
gnomAD v4.1: 20 of 1,613,910 alleles (0.0012%); highest among the groups gnomAD compares: Admixed American, 0.0033%; no homozygotes.

Submissions (3):

Labcorp Genetics (formerly Invitae), Labcorp
Classification: Uncertain significance for Cornelia de Lange syndrome 1. Last evaluated: 2026-01-12. Review status: criteria provided, single submitter. Criteria: Invitae Variant Classification Sherloc (09022015). Collection method: clinical testing. Allele origin: germline.
Comment: This sequence change replaces glutamine, which is neutral and polar, with glutamic acid, which is acidic and polar, at codon 202 of the NIPBL protein (p.Gln202Glu). This variant is present in population databases (rs762487890, gnomAD 0.006%). This variant has not been reported in the literature in individuals affected with NIPBL-related conditions. ClinVar contains an entry for this variant (Variation ID: 1751263). Invitae Evidence Modeling of protein sequence and biophysical properties (such as structural, functional, and spatial information, amino acid conservation, physicochemical variation, residue mobility, and thermodynamic stability) has been performed for this missense variant. However, the output from this modeling did not meet the statistical confidence thresholds required to predict the impact of this variant on NIPBL protein function. In summary, the available evidence is currently insufficient to determine the role of this variant in disease. Therefore, it has been classified as a Variant of Uncertain Significance.

Fulgent Genetics
Classification: Uncertain significance for Cornelia de Lange syndrome 1. Last evaluated: 2024-04-28. Review status: criteria provided, single submitter. Criteria: ACMG Guidelines, 2015. Collection method: clinical testing. Allele origin: germline.

Ambry Genetics
Classification: Uncertain significance for Inborn genetic diseases. Last evaluated: 2019-09-20. Review status: criteria provided, single submitter. Criteria: Ambry Variant Classification Scheme 2023. Collection method: clinical testing. Allele origin: germline.
Comment: The p.Q202E variant (also known as c.604C>G), located in coding exon 5 of the NIPBL gene, results from a C to G substitution at nucleotide position 604. The glutamine at codon 202 is replaced by glutamic acid, an amino acid with highly similar properties. This amino acid position is highly conserved in available vertebrate species. In addition, the in silico prediction for this alteration is inconclusive. Since supporting evidence is limited at this time, the clinical significance of this alteration remains unclear.